The following is an entry in ClinVar:

NM_014283.5(SUCO):c.2623G>A (p.Ala875Thr)

Gene: SUCO (SUN domain containing ossification factor; plus strand). Cytogenetic location: 1q24.3.
Variant type: single nucleotide variant.
Coding change: c.2623G>A on transcript NM_014283.5 (MANE Select); coding-DNA position 2623, G replaced by A.
Protein change: p.Ala875Thr; replaces alanine 875 with threonine.
Molecular consequence: missense variant. On other transcripts: intron variant (1).
Genome position (GRCh38, 1-based): chr1:172,589,724, G>A. VCF-style: chr1-172589724-G-A. GRCh37 (hg19) VCF-style: chr1-172558864-G-A.
Other names: c.2623G>A (NM_014283.3); c.934G>A, p.Ala312Thr (NM_001282751.2); c.3076G>A, p.Ala1026Thr (NM_016227.4); c.1712+800G>A (NM_001282750.2); short protein forms A875T, A1026T, A312T.
Identifiers: ClinVar variation 1413782 (VCV001413782.7), dbSNP rs751709903, ClinGen allele CA1247115.
Genomic context (GRCh38, chr1:172,589,724, plus strand): 5'-TCTGTTGTGGATTCTTCTTCATTACCTGAAGTAAAAGAAGAAGAACAGTCTCCAGAAGAT[G>A]CCCTTTTGAGAGGGTTACAGAGGACAGCTACAGATTTTTATGCTGAATTGCAAAATTCTA-3'
Protein context (NP_055098.1, residues 865-885): VKEEEQSPED[Ala875Thr]LLRGLQRTAT

ClinVar aggregate classification (germline): Uncertain significance. Review status: criteria provided, multiple submitters, no conflicts (2 of 4 stars). 2 submissions from 2 submitters: Uncertain significance (2). Last evaluated 2025-10-30.

Allele frequency attached by ClinVar (database versions not stated): gnomAD exomes below 0.00001; TOPMed below 0.00001; ExAC 0.00001; gnomAD 0.00001.
gnomAD v4.1: 2 of 1,613,336 alleles (0.00012%); highest among the groups gnomAD compares: African/African-American, 0.0027%; no homozygotes.

Submissions (2):

Ambry Genetics
Classification: Uncertain significance. Last evaluated: 2025-10-30. Review status: criteria provided, single submitter. Criteria: Ambry Variant Classification Scheme 2023. Collection method: clinical testing. Allele origin: germline.

Labcorp Genetics (formerly Invitae), Labcorp
Classification: Uncertain significance. Last evaluated: 2021-08-28. Review status: criteria provided, single submitter. Criteria: Invitae Variant Classification Sherloc (09022015). Collection method: clinical testing. Allele origin: germline.
Comment: This sequence change replaces alanine with threonine at codon 875 of the SUCO protein (p.Ala875Thr). The alanine residue is moderately conserved and there is a small physicochemical difference between alanine and threonine. This variant is present in population databases (rs751709903, ExAC 0.01%). In summary, the available evidence is currently insufficient to determine the role of this variant in disease. Therefore, it has been classified as a Variant of Uncertain Significance. Algorithms developed to predict the effect of missense changes on protein structure and function are either unavailable or do not agree on the potential impact of this missense change (SIFT: "Deleterious"; PolyPhen-2: "Benign"; Align-GVGD: "Class C0"). This variant has not been reported in the literature in individuals affected with SUCO-related conditions.